The following is an entry in ClinVar:

NM_003235.5(TG):c.2234dup (p.Leu746fs)

Gene: TG (thyroglobulin; plus strand). Cytogenetic location: 8q24.22.
Variant type: Duplication.
Coding change: c.2234dup on transcript NM_003235.5 (MANE Select); coding-DNA position 2234, one base duplicated (T; older notation c.2234dupT).
Protein change: p.Leu746fs; shifts the reading frame from leucine 746.
Molecular consequence: frameshift variant.
Genome position (GRCh38, 1-based): chr8:132,888,041, T duplicated. VCF-style (leftmost placement, unchanged base first): chr8-132888040-C-CT. GRCh37 (hg19) VCF-style: chr8-133900285-C-CT.
Other names: c.2233_2234insT (NM_003235.5); short protein forms L746fs.
Identifiers: ClinVar variation 988644 (VCV000988644.4), dbSNP rs1815680018, ClinGen allele CA463216391.

ClinVar aggregate classification (germline): Pathogenic. Review status: criteria provided, single submitter (1 of 4 stars). 2 submissions from 2 submitters: Pathogenic (1). 1 of the submissions does not count toward it. Last evaluated 2023-02-02.

Conditions:
Congenital hypothyroidism. Identifiers: Orphanet 442, MedGen C0010308, MONDO:0018612, HP:0000851.

Allele frequency attached by ClinVar (database versions not stated): gnomAD exomes below 0.00001.

Submissions (2):

Labcorp Genetics (formerly Invitae), Labcorp
Classification: Pathogenic. Last evaluated: 2023-02-02. Review status: criteria provided, single submitter. Criteria: Invitae Variant Classification Sherloc (09022015). Collection method: clinical testing. Allele origin: germline.
Comment: This sequence change creates a premature translational stop signal (p.Leu746Alafs*3) in the TG gene. It is expected to result in an absent or disrupted protein product. Loss-of-function variants in TG are known to be pathogenic (PMID: 19837936, 23164529). This variant is not present in population databases (gnomAD no frequency). This variant has not been reported in the literature in individuals affected with TG-related conditions. ClinVar contains an entry for this variant (Variation ID: 988644). For these reasons, this variant has been classified as Pathogenic.

Polak associated Lab, IMAGINE Institute
Classification: Likely pathogenic for Congenital hypothyroidism. Review status: no assertion criteria provided. Collection method: clinical testing. Allele origin: germline. Affected: yes. Not counted in ClinVar's aggregate classification.

Literature cited by the submitters: PubMed 19837936 (cited by Labcorp Genetics (formerly Invitae), Labcorp); PubMed 23164529 (cited by Labcorp Genetics (formerly Invitae), Labcorp).